The following is an entry in ClinVar:

NM_001369268.1(ACAN):c.1382T>C (p.Leu461Pro)

Gene: ACAN (aggrecan; plus strand). Cytogenetic location: 15q26.1.
Variant type: single nucleotide variant.
Coding change: c.1382T>C on transcript NM_001369268.1 (MANE Select); coding-DNA position 1382, T replaced by C.
Protein change: p.Leu461Pro; replaces leucine 461 with proline.
Molecular consequence: missense variant.
Genome position (GRCh38, 1-based): chr15:88,845,835, T>C. VCF-style: chr15-88845835-T-C. GRCh37 (hg19) VCF-style: chr15-89389066-T-C.
Other names: c.1382T>C, p.Leu461Pro (NM_001135.4, NM_001411096.1, NM_001411097.1 and 1 more transcripts); c.1382T>C (NM_013227.3); short protein forms L461P.
Identifiers: ClinVar variation 2881529 (VCV002881529.4), dbSNP rs2505263832, ClinGen allele CA393710240.

ClinVar aggregate classification (germline): Uncertain significance. Review status: criteria provided, multiple submitters, no conflicts (2 of 4 stars). 2 submissions from 2 submitters: Uncertain significance (2). Last evaluated 2025-08-04.

Conditions:
Inborn genetic diseases. Identifiers: MedGen C0950123, MeSH D030342.

Submissions (2):

Ambry Genetics
Classification: Uncertain significance for Inborn genetic diseases. Last evaluated: 2025-08-04. Review status: criteria provided, single submitter. Criteria: Ambry Variant Classification Scheme 2023. Collection method: clinical testing. Allele origin: germline.

Labcorp Genetics (formerly Invitae), Labcorp
Classification: Uncertain significance. Last evaluated: 2023-12-02. Review status: criteria provided, single submitter. Criteria: Invitae Variant Classification Sherloc (09022015). Collection method: clinical testing. Allele origin: germline.
Comment: This sequence change replaces leucine, which is neutral and non-polar, with proline, which is neutral and non-polar, at codon 461 of the ACAN protein (p.Leu461Pro). This variant is not present in population databases (gnomAD no frequency). This variant has not been reported in the literature in individuals affected with ACAN-related conditions. Advanced modeling of protein sequence and biophysical properties (such as structural, functional, and spatial information, amino acid conservation, physicochemical variation, residue mobility, and thermodynamic stability) performed at Invitae indicates that this missense variant is not expected to disrupt ACAN protein function with a negative predictive value of 80%. In summary, the available evidence is currently insufficient to determine the role of this variant in disease. Therefore, it has been classified as a Variant of Uncertain Significance.